The following is an entry in ClinVar:

ClinVar aggregate classification (germline): Uncertain significance. Review status: criteria provided, multiple submitters, no conflicts (2 of 4 stars). 2 submissions from 2 submitters: Uncertain significance (2). Last evaluated 2021-08-23.

Conditions:
Inborn genetic diseases. Identifiers: MedGen C0950123, MeSH D030342.
Dyskinesia with orofacial involvement, autosomal recessive. Identifiers: MedGen C5562036, MONDO:0030625, OMIM 619647.
Neurodevelopmental disorder with hyperkinetic movements and dyskinesia. Identifiers: MedGen C5562038, MONDO:0859211, OMIM 619651.
Dyskinesia with orofacial involvement, autosomal dominant (DSKOD). Also called: Dyskinesia, familial, with facial myokymia; Familial dyskinesia and facial myokymia; Familial Dyskinesia with Facial Myokymia (FDFM). Identifiers: Orphanet 324588, MedGen C1847627, MONDO:0800028, OMIM 606703.

Allele frequency attached by ClinVar (database versions not stated): gnomAD 0.00005; TOPMed 0.00005; ESP Exome Variant Server 0.00008.
gnomAD v4.1: 33 of 1,613,828 alleles (0.002%); highest among the groups gnomAD compares: African/African-American, 0.008%; no homozygotes.

Submissions (2):

Ambry Genetics
Classification: Uncertain significance for Inborn genetic diseases. Last evaluated: 2021-08-23. Review status: criteria provided, single submitter. Criteria: Ambry Variant Classification Scheme 2023. Collection method: clinical testing. Allele origin: germline.

Juno Genomics, Hangzhou Juno Genomics, Inc
Classification: Uncertain significance for Dyskinesia with orofacial involvement, autosomal dominant; Dyskinesia with orofacial involvement, autosomal recessive; Neurodevelopmental disorder with hyperkinetic movements and dyskinesia. Review status: criteria provided, single submitter. Criteria: ACMG Guidelines, 2015. Collection method: clinical testing. Allele origin: germline.
Comment: Absent from controls (or at extremely low frequency if recessive) in Genome Aggregation Database.;Multiple lines of computational evidence support a deleterious effect on the gene or gene product.

NM_183357.3(ADCY5):c.3109C>T (p.Arg1037Trp)

Gene: ADCY5 (adenylate cyclase 5; minus strand). Cytogenetic location: 3q21.1.
Variant type: single nucleotide variant.
Coding change: c.3109C>T on transcript NM_183357.3 (MANE Select); coding-DNA position 3109, C replaced by T.
Protein change: p.Arg1037Trp; replaces arginine 1037 with tryptophan.
Molecular consequence: missense variant.
Genome position (GRCh38, 1-based): chr3:123,291,331, G>A on the plus strand (C>T on the coding strand, the complement: ADCY5 is on the minus strand). VCF-style: chr3-123291331-G-A. GRCh37 (hg19) VCF-style: chr3-123010178-G-A.
Other names: c.2059C>T, p.Arg687Trp (NM_001199642.1); c.3184C>T, p.Arg1062Trp (NM_001378259.1); short protein forms R687W, R1037W, R1062W.
Identifiers: ClinVar variation 2246788 (VCV002246788.4), dbSNP rs375173379, ClinGen allele CA2576849.